The following is an entry in ClinVar:

ClinVar aggregate classification (germline): Uncertain significance (1 of 4 stars; one submission).

Conditions:
Familial adenomatous polyposis 1 (FAP1). Also called: POLYPOSIS, ADENOMATOUS INTESTINAL; FAMILIAL ADENOMATOUS POLYPOSIS 1, ATTENUATED. Identifiers: MedGen C2713442, MONDO:0021056, OMIM 175100. Disease mechanism: loss of function.

Submission:

Labcorp Genetics (formerly Invitae), Labcorp
Classification: Uncertain significance for Familial adenomatous polyposis 1. Last evaluated: 2021-04-03. Review status: criteria provided, single submitter. Criteria: Invitae Variant Classification Sherloc (09022015). Collection method: clinical testing. Allele origin: germline.
Comment: In summary, the available evidence is currently insufficient to determine the role of this variant in disease. Therefore, it has been classified as a Variant of Uncertain Significance. Experimental studies and prediction algorithms are not available or were not evaluated, and the functional significance of this variant is currently unknown. This variant has not been reported in the literature in individuals with APC-related conditions. The frequency data for this variant in the population databases is considered unreliable, as metrics indicate insufficient coverage at this position in the ExAC database. This variant occurs in a non-coding region of the APC gene. It does not change the encoded amino acid sequence of the APC protein.

NC_000005.10:g.112707468T>A

Gene: APC (APC regulator of Wnt signaling pathway; plus strand). Cytogenetic location: 5q22.2.
Variant type: single nucleotide variant.
Genome position: GRCh38 VCF-style: chr5-112707468-T-A. GRCh37 (hg19) VCF-style: chr5-112043165-T-A.
Identifiers: ClinVar variation 1384601 (VCV001384601.6), dbSNP rs538243333, ClinGen allele CA2573138768.
Genomic context (GRCh38, chr5:112,707,468, plus strand): 5'-CGGCAAGCGGAGCGCAGCACCCATTGCGCCTGCGCATAACAGGCTCTAGTCTCCGGGCTG[T>A]GGGAAGCCAGCAACACCTCTCACGCATGCGCATTGTAGTCTTCCCACCTCCCACAAGATG-3'